The following is an entry in ClinVar:

NC_012920.1(MT-TW):m.5524T>C

Gene: MT-TW (mitochondrially encoded tRNA tryptophan; plus strand).
Variant type: single nucleotide variant.
Genome position: chrM-5524-T-C.
Identifiers: ClinVar variation 689925 (VCV000689925.1), dbSNP rs1603220004, ClinGen allele CA913179744.

ClinVar aggregate classification (germline): Uncertain significance (1 of 4 stars; one submission).

Conditions:
MELAS syndrome (MELAS). Also called: Juvenile myopathy, encephalopathy, lactic acidosis, stroke. Identifiers: Orphanet 550, MedGen C0162671, MONDO:0010789, OMIM 540000.

Submission:

Wong Mito Lab, Molecular and Human Genetics, Baylor College of Medicine
Classification: Uncertain significance for MELAS syndrome. Last evaluated: 2019-07-12. Review status: criteria provided, single submitter. Criteria: Modified ACMG Guidelines (Unpublished). Collection method: clinical testing. Allele origin: germline.
Comment: The NC_012920.1:m.5524T>C variant in MT-TW gene is interpreted to be a Unknown Significance variant based on the modified ACMG guidelines (unpublished). This variant meets the following evidence codes reported in the guidelines: BP4, BP5, PP7

Literature cited by the submitters: PubMed 31965079.